The following is an entry in ClinVar:

ClinVar aggregate classification (germline): Uncertain significance (1 of 4 stars; one submission).

Submission:

GeneDx
Classification: Uncertain significance. Last evaluated: 2017-06-29. Review status: criteria provided, single submitter. Criteria: GeneDx Variant Classification (06012015). Collection method: clinical testing. Allele origin: germline. Affected: yes.
Comment: The S119R variant has not been published as a pathogenic variant, nor has it been reported as a benign variant to our knowledge. The variant is not observed in large population cohorts (Lek et al., 2016; 1000 Genomes Consortium et al., 2015; Exome Variant Server). S119R is a semi-conservative amino acid substitution, which may impact secondary protein structure as these residues differ in some properties. This substitution occurs at a position that is conserved across species, and in silico analysis predicts this variant is probably damaging to the protein structure/function. In summary, based on the currently available information, it is unclear whether this variant is a pathogenic variant or a rare benign variant.

NM_000216.4(ANOS1):c.357C>G (p.Ser119Arg)

Gene: ANOS1 (anosmin 1; minus strand). Cytogenetic location: Xp22.31.
Variant type: single nucleotide variant.
Coding change: c.357C>G on transcript NM_000216.4 (MANE Select); coding-DNA position 357, C replaced by G.
Protein change: p.Ser119Arg; replaces serine 119 with arginine.
Molecular consequence: missense variant.
Genome position (GRCh38, 1-based): chrX:8,597,218, G>C on the plus strand (C>G on the coding strand, the complement: ANOS1 is on the minus strand). VCF-style: chrX-8597218-G-C. GRCh37 (hg19) VCF-style: chrX-8565259-G-C.
Other names: short protein forms S119R.
Identifiers: ClinVar variation 432986 (VCV000432986.2), dbSNP rs1555895887, ClinGen allele CA412025336.